The following is an entry in ClinVar:

NM_002900.3(RBP3):c.2697G>A (p.Met899Ile)

Gene: RBP3 (retinol binding protein 3; plus strand). Cytogenetic location: 10q11.22.
Variant type: single nucleotide variant.
Coding change: c.2697G>A on transcript NM_002900.3 (MANE Select); coding-DNA position 2697, G replaced by A.
Protein change: p.Met899Ile; replaces methionine 899 with isoleucine.
Molecular consequence: missense variant.
Genome position (GRCh38, 1-based): chr10:47,351,181, G>A. VCF-style: chr10-47351181-G-A. GRCh37 (hg19) VCF-style: chr10-48388181-C-T.
Other names: short protein forms M899I.
Identifiers: ClinVar variation 1973109 (VCV001973109.5), dbSNP rs368139421, ClinGen allele CA5487222.

ClinVar aggregate classification (germline): Uncertain significance (1 of 4 stars; one submission).

Allele frequency attached by ClinVar (database versions not stated): ESP Exome Variant Server 0.00008; ExAC 0.00001.

Submission:

Labcorp Genetics (formerly Invitae), Labcorp
Classification: Uncertain significance. Last evaluated: 2022-02-05. Review status: criteria provided, single submitter. Criteria: Invitae Variant Classification Sherloc (09022015). Collection method: clinical testing. Allele origin: germline.
Comment: This variant has not been reported in the literature in individuals affected with RBP3-related conditions. In summary, the available evidence is currently insufficient to determine the role of this variant in disease. Therefore, it has been classified as a Variant of Uncertain Significance. Algorithms developed to predict the effect of missense changes on protein structure and function output the following: SIFT: "Tolerated"; PolyPhen-2: "Benign"; Align-GVGD: "Class C0". The isoleucine amino acid residue is found in multiple mammalian species, which suggests that this missense change does not adversely affect protein function. This variant is present in population databases (rs368139421, gnomAD 0.0009%). This sequence change replaces methionine, which is neutral and non-polar, with isoleucine, which is neutral and non-polar, at codon 899 of the RBP3 protein (p.Met899Ile).